The following is an entry in ClinVar:

ClinVar aggregate classification (germline): Uncertain significance (1 of 4 stars; one submission).

Submission:

GeneDx
Classification: Uncertain significance. Last evaluated: 2022-04-29. Review status: criteria provided, single submitter. Criteria: GeneDx Variant Classification Process June 2021. Collection method: clinical testing. Allele origin: germline. Affected: yes.
Comment: Not observed at significant frequency in large population cohorts (gnomAD); In silico analysis supports that this missense variant has a deleterious effect on protein structure/function; Has not been previously published as pathogenic or benign to our knowledge

NM_001206927.2(DNAH8):c.12166G>C (p.Asp4056His)

Genes: DNAH8 (dynein axonemal heavy chain 8; plus strand), DNAH8-AS1 (DNAH8 antisense RNA 1; minus strand). Cytogenetic location: 6p21.2.
Variant type: single nucleotide variant.
Coding change: c.12166G>C on transcript NM_001206927.2 (MANE Select); coding-DNA position 12166, G replaced by C.
Protein change: p.Asp4056His; replaces aspartic acid 4056 with histidine.
Molecular consequence: missense variant.
Genome position (GRCh38, 1-based): chr6:38,949,488, G>C. VCF-style: chr6-38949488-G-C. GRCh37 (hg19) VCF-style: chr6-38917264-G-C.
Other names: c.11515G>C, p.Asp3839His (NM_001371.4); short protein forms D3839H, D4056H.
Identifiers: ClinVar variation 1712668 (VCV001712668.2), dbSNP rs2533686865, ClinGen allele CA363994147.